The following is an entry in ClinVar:

NM_017677.4(MTMR8):c.-9A>C

Genes: MTMR8 (myotubularin related protein 8; minus strand), LOC130068370 (ATAC-STARR-seq lymphoblastoid active region 29710; plus strand). Cytogenetic location: Xq11.2.
Variant type: single nucleotide variant.
Coding change: c.-9A>C on transcript NM_017677.4 (MANE Select); 9 bases upstream of the start codon, A replaced by C.
Molecular consequence: 5 prime UTR variant.
Genome position (GRCh38, 1-based): chrX:64,395,372, T>G on the plus strand (A>C on the coding strand, the complement: MTMR8 is on the minus strand). VCF-style: chrX-64395372-T-G. GRCh37 (hg19) VCF-style: chrX-63615252-T-G.
Identifiers: ClinVar variation 3042048 (VCV003042048.2), dbSNP rs368557871, ClinGen allele CA2433469247.

ClinVar aggregate classification (germline): Likely benign (0 of 4 stars; one submission).

Conditions:
MTMR8-related disorder. Also called: MTMR8-related condition.

Submission:

PreventionGenetics, part of Exact Sciences
Classification: Likely benign for MTMR8-related condition. Last evaluated: 2019-05-08. Review status: no assertion criteria provided. Collection method: clinical testing. Allele origin: germline.
Comment: This variant is classified as likely benign based on ACMG/AMP sequence variant interpretation guidelines (Richards et al. 2015 PMID: 25741868, with internal and published modifications).